The following is an entry in ClinVar:

NM_015040.4(PIKFYVE):c.4863G>A (p.Lys1621=)

Gene: PIKFYVE (phosphoinositide kinase, FYVE-type zinc finger containing; plus strand). Cytogenetic location: 2q34.
Variant type: single nucleotide variant.
Coding change: c.4863G>A on transcript NM_015040.4 (MANE Select); coding-DNA position 4863, G replaced by A.
Protein change: p.Lys1621=; no amino-acid change (lysine 1621 retained).
Molecular consequence: synonymous variant.
Genome position (GRCh38, 1-based): chr2:208,340,063, G>A. VCF-style: chr2-208340063-G-A. GRCh37 (hg19) VCF-style: chr2-209204787-G-A.
Identifiers: ClinVar variation 3057607 (VCV003057607.2), dbSNP rs376623357, ClinGen allele CA2080469.
Genomic context (GRCh38, chr2:208,340,063, plus strand): 5'-CATTTTAGATGTGTTTGATGGGCATTTGCTGGGATCCACAGACAGCCAAGTGAAGGAAAA[G>A]TCAACCATGAAAGCCATCTTTGCAAATTTGCTTCCAGGAAATAGCTATAATCCTATTCCA-3'
Protein context (NP_055855.2, residues 1611-1631): LGSTDSQVKE[Lys1621=]STMKAIFANL

ClinVar aggregate classification (germline): Likely benign (0 of 4 stars; one submission).

Conditions:
PIKFYVE-related disorder. Also called: PIKFYVE-related condition.

Allele frequency attached by ClinVar (database versions not stated): gnomAD exomes 0.00003; TOPMed 0.00004; gnomAD 0.00005; ESP Exome Variant Server 0.00008; ExAC 0.00013.
gnomAD v4.1: 57 of 1,613,878 alleles (0.0035%); highest among the groups gnomAD compares: Non-Finnish European, 0.0046%; no homozygotes.

Submission:

PreventionGenetics, part of Exact Sciences
Classification: Likely benign for PIKFYVE-related condition. Last evaluated: 2020-03-17. Review status: no assertion criteria provided. Collection method: clinical testing. Allele origin: germline.
Comment: This variant is classified as likely benign based on ACMG/AMP sequence variant interpretation guidelines (Richards et al. 2015 PMID: 25741868, with internal and published modifications).